The following is an entry in ClinVar:

ClinVar aggregate classification (germline): Benign/Likely benign. Review status: criteria provided, multiple submitters, no conflicts (2 of 4 stars). 7 submissions from 7 submitters: Benign (6); Likely benign (1). Last evaluated 2026-09-01.

Conditions:
Hereditary spastic paraplegia. Also called: Familial spastic paraparesis. Identifiers: Orphanet 685, MedGen C0037773, MONDO:0019064. Disease mechanism: loss of function.
Spastic paraplegia. Identifiers: MedGen C0037772, HP:0001258.

Allele frequency attached by ClinVar (database versions not stated): 1000 Genomes Project 0.00439; 1000 Genomes Project 30x 0.00453; gnomAD exomes 0.00530 and 0.00645; ExAC 0.00532; gnomAD 0.00550 and 0.00555; TOPMed 0.00571; ESP Exome Variant Server 0.00623.
gnomAD v4.1: 10,346 of 1,613,916 alleles (0.64%); highest among the groups gnomAD compares: Middle Eastern, 1.1%; 49 homozygotes.

Submissions (13):

CeGaT Center for Human Genetics Tuebingen
Classification: Likely benign. Last evaluated: 2026-09-01. Review status: criteria provided, single submitter. Criteria: CeGaT Center For Human Genetics Tuebingen Variant Classification Criteria Version 2. Collection method: clinical testing. Allele origin: germline. Affected: yes. Observed: 19 variant alleles.
Comment: RTN2: BP4, BS2

Labcorp Genetics (formerly Invitae), Labcorp
Classification: Benign for Spastic paraplegia. Last evaluated: 2026-02-03. Review status: criteria provided, single submitter. Criteria: Invitae Variant Classification Sherloc (09022015). Collection method: clinical testing. Allele origin: germline.

Athena Diagnostics
Classification: Benign. Last evaluated: 2025-06-02. Review status: criteria provided, single submitter. Criteria: Athena Diagnostics Criteria. Collection method: clinical testing. Allele origin: unknown.
Comment: The frequency of this variant in the general population is higher than would generally be expected for pathogenic variants in this gene.

Genome Diagnostics Laboratory, The Hospital for Sick Children
Classification: Benign for Hereditary spastic paraplegia. Last evaluated: 2021-11-29. Review status: criteria provided, single submitter. Criteria: ACMG Guidelines, 2015. Collection method: clinical testing. Allele origin: germline. Affected: yes.

GeneDx
Classification: Benign. Last evaluated: 2016-05-31. Review status: criteria provided, single submitter. Criteria: GeneDx Variant Classification (06012015). Collection method: clinical testing. Allele origin: germline. Affected: yes.
Comment: This variant is considered likely benign or benign based on one or more of the following criteria: it is a conservative change, it occurs at a poorly conserved position in the protein, it is predicted to be benign by multiple in silico algorithms, and/or has population frequency not consistent with disease.

Mayo Clinic Laboratories, Mayo Clinic
Classification: Benign. Last evaluated: 2016-05-24. Review status: criteria provided, single submitter. Criteria: ACMG Guidelines, 2015. Collection method: clinical testing. Allele origin: germline. Observed: 33 variant alleles.

Breakthrough Genomics
Classification: Benign. Review status: criteria provided, single submitter. Criteria: ACMG Guidelines, 2015. Collection method: not provided. Allele origin: germline. Inheritance: Autosomal dominant inheritance. Affected: yes.

Dr. Peter K. Rogan Lab, Western University
No classification provided (evidence only). Condition: Clear cell carcinoma of kidney. Review status: no classification provided. Collection method: in vitro. Allele origin: not applicable. Functional consequence: retained intron. Not counted in ClinVar's aggregate classification.

Dr. Peter K. Rogan Lab, Western University
No classification provided (evidence only). Condition: Lung cancer. Review status: no classification provided. Collection method: in vitro. Allele origin: not applicable. Functional consequence: retained intron. Not counted in ClinVar's aggregate classification.

Dr. Peter K. Rogan Lab, Western University
No classification provided (evidence only). Condition: Lung cancer. Review status: no classification provided. Collection method: in vitro. Allele origin: not applicable. Functional consequence: retained intron. Not counted in ClinVar's aggregate classification.

Dr. Peter K. Rogan Lab, Western University
No classification provided (evidence only). Condition: Colorectal cancer. Review status: no classification provided. Collection method: in vitro. Allele origin: not applicable. Functional consequence: retained intron. Not counted in ClinVar's aggregate classification.

Dr. Peter K. Rogan Lab, Western University
No classification provided (evidence only). Condition: Cervical cancer. Review status: no classification provided. Collection method: in vitro. Allele origin: not applicable. Functional consequence: retained intron. Not counted in ClinVar's aggregate classification.

Dr. Peter K. Rogan Lab, Western University
No classification provided (evidence only). Condition: Adrenocortical carcinoma, hereditary. Review status: no classification provided. Collection method: in vitro. Allele origin: not applicable. Functional consequence: retained intron. Not counted in ClinVar's aggregate classification.

NM_005619.5(RTN2):c.444C>G (p.Gly148=)

Genes: OPA3-RTN2 (OPA3-RTN2 readthrough; minus strand), RTN2 (reticulon 2; minus strand). Cytogenetic location: 19q13.32.
Variant type: single nucleotide variant.
Coding change: c.444C>G on transcript NM_005619.5 (MANE Select); coding-DNA position 444, C replaced by G.
Protein change: p.Gly148=; no amino-acid change (glycine 148 retained).
Molecular consequence: synonymous variant.
Genome position (GRCh38, 1-based): chr19:45,494,641, G>C on the plus strand (C>G on the coding strand, the complement: RTN2 is on the minus strand). VCF-style: chr19-45494641-G-C. GRCh37 (hg19) VCF-style: chr19-45997899-G-C.
Other names: p.Gly148=; c.444C>G, p.Gly148= (NM_206900.3).
Identifiers: ClinVar variation 240194 (VCV000240194.46), dbSNP rs139232850, ClinGen allele CA9516258.